The following is an entry in ClinVar:

NM_001374385.1(ATP8B1):c.1928T>C (p.Leu643Pro)

Gene: ATP8B1 (ATPase phospholipid transporting 8B1; minus strand). Cytogenetic location: 18q21.31.
Variant type: single nucleotide variant.
Coding change: c.1928T>C on transcript NM_001374385.1 (MANE Select); coding-DNA position 1928, T replaced by C.
Protein change: p.Leu643Pro; replaces leucine 643 with proline.
Molecular consequence: missense variant.
Genome position (GRCh38, 1-based): chr18:57,671,472, A>G on the plus strand (T>C on the coding strand, the complement: ATP8B1 is on the minus strand). VCF-style: chr18-57671472-A-G. GRCh37 (hg19) VCF-style: chr18-55338704-A-G.
Other names: c.1778T>C, p.Leu593Pro (NM_001374386.1); c.1928T>C, p.Leu643Pro (NM_005603.6); short protein forms L593P, L643P.
Identifiers: ClinVar variation 1705135 (VCV001705135.3), dbSNP rs2511694747, ClinGen allele CA402558257.

ClinVar aggregate classification (germline): Uncertain significance. Review status: criteria provided, single submitter (1 of 4 stars). 2 submissions from 2 submitters: Uncertain significance (1). 1 of the submissions does not count toward it. Last evaluated 2022-08-18.

Conditions:
ATP8B1-related disorder. Also called: ATP8B1-related condition; ATP8B1-related disorders.

Submissions (2):

Women's Health and Genetics/Laboratory Corporation of America, LabCorp
Classification: Uncertain significance. Last evaluated: 2022-08-18. Review status: criteria provided, single submitter. Criteria: LabCorp Variant Classification Summary - May 2015. Collection method: clinical testing. Allele origin: germline.
Comment: Variant summary: ATP8B1 c.1928T>C (p.Leu643Pro) results in a non-conservative amino acid change located in the P-type ATPase, haloacid dehalogenase domain (IPR044492) of the encoded protein sequence. Five of five in-silico tools predict a damaging effect of the variant on protein function. The variant was absent in 251440 control chromosomes (gnomAD). The available data on variant occurrences in the general population are insufficient to allow any conclusion about variant significance. To our knowledge, no occurrence of c.1928T>C in individuals affected with Cholestasis, Intrahepatic, Of Pregnancy, 1 and no experimental evidence demonstrating its impact on protein function have been reported. No clinical diagnostic laboratories have submitted clinical-significance assessments for this variant to ClinVar after 2014. Based on the evidence outlined above, the variant was classified as uncertain significance.

PreventionGenetics, part of Exact Sciences
Classification: Uncertain significance for ATP8B1-related condition. Last evaluated: 2023-11-27. Review status: no assertion criteria provided. Collection method: clinical testing. Allele origin: germline. Not counted in ClinVar's aggregate classification.
Comment: The ATP8B1 c.1928T>C variant is predicted to result in the amino acid substitution p.Leu643Pro. To our knowledge, this variant has not been reported in the literature or in a large population database, indicating this variant is rare. At this time, the clinical significance of this variant is uncertain due to the absence of conclusive functional and genetic evidence.